The following is an entry in ClinVar:

NC_000016.9:g.(?_23632663)_(23652478_?)del

Gene: PALB2 (partner and localizer of BRCA2; minus strand). Cytogenetic location: 16p12.2.
Variant type: Deletion.
Identifiers: ClinVar variation 3243347 (VCV003243347.1).

ClinVar aggregate classification (germline): Pathogenic (1 of 4 stars; one submission).

Conditions:
Familial cancer of breast. Also called: BREAST CANCER, FAMILIAL; Hereditary breast cancer; hereditary breast carcinoma. Identifiers: Orphanet 227535, MedGen C0346153, MONDO:0016419, OMIM 114480. Disease mechanism: loss of function.

Submission:

Labcorp Genetics (formerly Invitae), Labcorp
Classification: Pathogenic for Familial cancer of breast. Last evaluated: 2024-01-20. Review status: criteria provided, single submitter. Criteria: Invitae Variant Classification Sherloc (09022015). Collection method: clinical testing. Allele origin: unknown.
Comment: This variant is a gross deletion of the genomic region encompassing exon(s) 1-10 of the PALB2 gene, which includes the initiator codon. This deletion extends beyond the assayed region for this gene and therefore may encompass additional genes. It is expected to result in an absent or disrupted protein product. Loss-of-function variants in PALB2 are known to be pathogenic (PMID: 17200668, 17200671, 17200672, 24136930, 25099575). A similar copy number variant has been observed in individual(s) with Fanconi anemia (PMID: 17200672). In at least one individual the data is consistent with being in trans (on the opposite chromosome) from a pathogenic variant. For these reasons, this variant has been classified as Pathogenic.

Literature cited by the submitters: PubMed 17200668; PubMed 17200671; PubMed 17200672; PubMed 24136930; PubMed 25099575.